The following is an entry in ClinVar:

NM_201384.3(PLEC):c.8018C>T (p.Ala2673Val)

Gene: PLEC (plectin; minus strand). Cytogenetic location: 8q24.3.
Variant type: single nucleotide variant.
Coding change: c.8018C>T on transcript NM_201384.3 (MANE Select); coding-DNA position 8018, C replaced by T.
Protein change: p.Ala2673Val; replaces alanine 2673 with valine.
Molecular consequence: missense variant.
Genome position (GRCh38, 1-based): chr8:143,921,803, G>A on the plus strand (C>T on the coding strand, the complement: PLEC is on the minus strand). VCF-style: chr8-143921803-G-A. GRCh37 (hg19) VCF-style: chr8-144995971-G-A.
Other names: c.8099C>T (NM_000445.3); c.8099C>T, p.Ala2700Val (NM_000445.5); c.7976C>T, p.Ala2659Val (NM_201378.4); c.7952C>T, p.Ala2651Val (NM_201379.3); c.8429C>T, p.Ala2810Val (NM_201380.4); c.7922C>T, p.Ala2641Val (NM_201381.3); c.8018C>T, p.Ala2673Val (NM_201382.4); c.8030C>T, p.Ala2677Val (NM_201383.3); short protein forms A2659V, A2673V, A2810V, A2641V, A2651V, A2677V, A2700V.
Identifiers: ClinVar variation 1516362 (VCV001516362.8), dbSNP rs368335274, ClinGen allele CA4925452.

ClinVar aggregate classification (germline): Conflicting classifications of pathogenicity. Review status: criteria provided, conflicting classifications (1 of 4 stars). 3 submissions from 3 submitters: Uncertain significance (2); Likely benign (1). Last evaluated 2024-06-26.

Conditions:
Inborn genetic diseases. Identifiers: MedGen C0950123, MeSH D030342.
Epidermolysis bullosa simplex, Ogna type (EBS5A). Also called: Pidermolysis bullosa simplex 5A, Ogna type; EPIDERMOLYSIS BULLOSA SIMPLEX 5A, OGNA TYPE. Identifiers: Orphanet 79401, MedGen C0432317, MONDO:0007555, OMIM 131950.
Epidermolysis bullosa simplex 5C, with pyloric atresia (EBS5C). Also called: PLEC1-Related Epidermolysis Bullosa with Pyloric Atresia; PLEC-Related Epidermolysis Bullosa with Pyloric Atresia; Epidermolysis bullosa simplex with pyloric atresia. Identifiers: Orphanet 158684, MedGen C2677349, MONDO:0012807, OMIM 612138.
Epidermolysis bullosa simplex with nail dystrophy (EBS5D). Identifiers: MedGen C4225309, MONDO:0014661, OMIM 616487.
Epidermolysis bullosa simplex 5B, with muscular dystrophy (EBS5B). Also called: Epidermolysis bullosa simplex with muscular dystrophy; EPIDERMOLYSIS BULLOSA SIMPLEX AND LIMB-GIRDLE MUSCULAR DYSTROPHY. Identifiers: Orphanet 257, MedGen C2931072, MONDO:0009181, OMIM 226670.
Autosomal recessive limb-girdle muscular dystrophy type 2Q (LGMDR17). Also called: MUSCULAR DYSTROPHY, LIMB-GIRDLE, AUTOSOMAL RECESSIVE 17. Identifiers: Orphanet 254361, MedGen C3150989, MONDO:0013390, OMIM 613723.

Allele frequency attached by ClinVar (database versions not stated): gnomAD exomes 0.00001 and 0.00004; gnomAD 0.00003 and 0.00004; ExAC 0.00006; TOPMed 0.00007; ESP Exome Variant Server 0.00016.
gnomAD v4.1: 18 of 1,609,280 alleles (0.0011%); highest among the groups gnomAD compares: African/African-American, 0.011%; no homozygotes.

Submissions (3):

Labcorp Genetics (formerly Invitae), Labcorp
Classification: Uncertain significance for Autosomal recessive limb-girdle muscular dystrophy type 2Q; Epidermolysis bullosa simplex, Ogna type; Epidermolysis bullosa simplex with nail dystrophy; Epidermolysis bullosa simplex 5C, with pyloric atresia; Epidermolysis bullosa simplex 5B, with muscular dystrophy. Last evaluated: 2024-06-26. Review status: criteria provided, single submitter. Criteria: Invitae Variant Classification Sherloc (09022015). Collection method: clinical testing. Allele origin: germline.
Comment: This sequence change replaces alanine, which is neutral and non-polar, with valine, which is neutral and non-polar, at codon 2700 of the PLEC protein (p.Ala2700Val). This variant is present in population databases (rs368335274, gnomAD 0.03%). This variant has not been reported in the literature in individuals affected with PLEC-related conditions. ClinVar contains an entry for this variant (Variation ID: 1516362). Algorithms developed to predict the effect of missense changes on protein structure and function output the following: SIFT: "Not Available"; PolyPhen-2: "Benign"; Align-GVGD: "Not Available". The valine amino acid residue is found in multiple mammalian species, which suggests that this missense change does not adversely affect protein function. In summary, the available evidence is currently insufficient to determine the role of this variant in disease. Therefore, it has been classified as a Variant of Uncertain Significance.

Ambry Genetics
Classification: Uncertain significance for Inborn genetic diseases. Last evaluated: 2023-05-31. Review status: criteria provided, single submitter. Criteria: Ambry Variant Classification Scheme 2023. Collection method: clinical testing. Allele origin: germline.

Blueprint Genetics
Classification: Likely benign. Last evaluated: 2023-05-08. Review status: criteria provided, single submitter. Criteria: ACMG Guidelines, 2015. Collection method: clinical testing. Allele origin: germline.